The following is an entry in ClinVar:

NM_006662.3(SRCAP):c.4708G>C (p.Ala1570Pro)

Gene: SRCAP (Snf2 related CREBBP activator protein; plus strand). Cytogenetic location: 16p11.2.
Variant type: single nucleotide variant.
Coding change: c.4708G>C on transcript NM_006662.3 (MANE Select); coding-DNA position 4708, G replaced by C.
Protein change: p.Ala1570Pro; replaces alanine 1570 with proline.
Molecular consequence: missense variant.
Genome position (GRCh38, 1-based): chr16:30,724,132, G>C. VCF-style: chr16-30724132-G-C. GRCh37 (hg19) VCF-style: chr16-30735453-G-C.
Other names: short protein forms A1570P.
Identifiers: ClinVar variation 2855641 (VCV002855641.3), dbSNP rs757389822, ClinGen allele CA395616491.

ClinVar aggregate classification (germline): Uncertain significance (1 of 4 stars; one submission).

Submission:

Labcorp Genetics (formerly Invitae), Labcorp
Classification: Uncertain significance. Last evaluated: 2023-10-24. Review status: criteria provided, single submitter. Criteria: Invitae Variant Classification Sherloc (09022015). Collection method: clinical testing. Allele origin: germline.
Comment: This sequence change replaces alanine, which is neutral and non-polar, with proline, which is neutral and non-polar, at codon 1570 of the SRCAP protein (p.Ala1570Pro). This variant is not present in population databases (gnomAD no frequency). This variant has not been reported in the literature in individuals affected with SRCAP-related conditions. Advanced modeling of protein sequence and biophysical properties (such as structural, functional, and spatial information, amino acid conservation, physicochemical variation, residue mobility, and thermodynamic stability) performed at Invitae indicates that this missense variant is not expected to disrupt SRCAP protein function with a negative predictive value of 80%. In summary, the available evidence is currently insufficient to determine the role of this variant in disease. Therefore, it has been classified as a Variant of Uncertain Significance.